The following is an entry in ClinVar:

ClinVar aggregate classification (germline): Uncertain significance. Review status: criteria provided, multiple submitters, no conflicts (2 of 4 stars). 4 submissions from 4 submitters: Uncertain significance (4). Last evaluated 2026-07-07.

Conditions:
DLD-related disorder. Also called: DLD-related condition; DLD-related disorders.
Pyruvate dehydrogenase E3 deficiency (DLDD). Also called: Dihydrolipoamide Dehydrogenase (E3) Deficiency; MAPLE SYRUP URINE DISEASE, TYPE III; Lipoamide dehydrogenase deficiency; Lipoamide dehydrogenase deficiency, lactic acidosis due to; Dihydrolipoamide Dehydrogenase Deficiency; DLD DEFICIENCY. Identifiers: Orphanet 2394, Orphanet 765, MedGen C5574660, MONDO:0009529, OMIM 246900.

Allele frequency attached by ClinVar (database versions not stated): ExAC 0.00003; TOPMed 0.00011; gnomAD 0.00013; gnomAD exomes 0.00018; ESP Exome Variant Server 0.00023.
gnomAD v4.1: 297 of 1,613,322 alleles (0.018%); highest among the groups gnomAD compares: Non-Finnish European, 0.022%; no homozygotes.

Submissions (4):

GeneDx
Classification: Uncertain significance. Last evaluated: 2026-07-07. Review status: criteria provided, single submitter. Criteria: GeneDx Variant Classification Process June 2021. Collection method: clinical testing. Allele origin: germline.
Comment: Not observed at significant frequency in large population cohorts (gnomAD); In silico analysis suggests that this missense variant does not alter protein structure/function; Has not been previously published as pathogenic or benign to our knowledge

Mayo Clinic Laboratories, Mayo Clinic
Classification: Uncertain significance. Last evaluated: 2025-04-09. Review status: criteria provided, single submitter. Criteria: ACMG Guidelines, 2015. Collection method: clinical testing. Allele origin: germline. Observed: 1 variant allele.
Comment: BP4

PreventionGenetics, part of Exact Sciences
Classification: Uncertain significance for DLD-related condition. Last evaluated: 2023-07-20. Review status: criteria provided, single submitter. Criteria: ACMG Guidelines, 2015. Collection method: clinical testing. Allele origin: germline.
Comment: The DLD c.581C>T variant is predicted to result in the amino acid substitution p.Thr194Met. To our knowledge, this variant has not been reported in the literature. This variant is reported in 0.014% of alleles in individuals of European (Non-Finnish) descent in gnomAD. At this time, the clinical significance of this variant is uncertain due to the absence of conclusive functional and genetic evidence.

Labcorp Genetics (formerly Invitae), Labcorp
Classification: Uncertain significance for Pyruvate dehydrogenase E3 deficiency. Last evaluated: 2021-12-08. Review status: criteria provided, single submitter. Criteria: Invitae Variant Classification Sherloc (09022015). Collection method: clinical testing. Allele origin: germline.
Comment: This sequence change replaces threonine, which is neutral and polar, with methionine, which is neutral and non-polar, at codon 194 of the DLD protein (p.Thr194Met). This variant is present in population databases (rs140821639, gnomAD 0.01%). This variant has not been reported in the literature in individuals affected with DLD-related conditions. Algorithms developed to predict the effect of missense changes on protein structure and function are either unavailable or do not agree on the potential impact of this missense change (SIFT: "Deleterious"; PolyPhen-2: "Benign"; Align-GVGD: "Class C0"). Algorithms developed to predict the effect of sequence changes on RNA splicing suggest that this variant may disrupt the consensus splice site. In summary, the available evidence is currently insufficient to determine the role of this variant in disease. Therefore, it has been classified as a Variant of Uncertain Significance.

NM_000108.5(DLD):c.581C>T (p.Thr194Met)

Gene: DLD (dihydrolipoamide dehydrogenase; plus strand). Cytogenetic location: 7q31.1.
Variant type: single nucleotide variant.
Coding change: c.581C>T on transcript NM_000108.5 (MANE Select); coding-DNA position 581, C replaced by T.
Protein change: p.Thr194Met; replaces threonine 194 with methionine.
Molecular consequence: missense variant. On other transcripts: intron variant (1).
Genome position (GRCh38, 1-based): chr7:107,905,503, C>T. VCF-style: chr7-107905503-C-T. GRCh37 (hg19) VCF-style: chr7-107545948-C-T.
Other names: p.Thr194Met; c.284C>T, p.Thr95Met (NM_001289750.1); c.512C>T, p.Thr171Met (NM_001289751.1); c.438+445C>T (NM_001289752.1); c.581C>T (NM_000108.3, NM_000108.4); short protein forms T95M, T171M, T194M.
Identifiers: ClinVar variation 2060355 (VCV002060355.5), dbSNP rs140821639, ClinGen allele CA4434500.
Genomic context (GRCh38, chr7:107,905,503, plus strand): 5'-TTGATACAAAGAACATTCTTATAGCCACGGGTTCAGAAGTTACTCCTTTTCCTGGAATCA[C>T]GGTATTTATGCTTCATAATTTACAACCATTACAACTTTTCTTTAGAAATACGTTTTATAA-3'
Protein context (NP_000099.2, residues 184-204): GSEVTPFPGI[Thr194Met]IDEDTIVSST